The following is an entry in ClinVar:

ClinVar aggregate classification (germline): Uncertain significance. Review status: criteria provided, multiple submitters, no conflicts (2 of 4 stars). 3 submissions from 3 submitters: Uncertain significance (3). Last evaluated 2025-11-23.

Conditions:
Pityriasis rubra pilaris (PRP). Also called: Pityriasis rubra pilaris--familial type. Identifiers: Orphanet 2897, MedGen C0032027, MONDO:0100017, OMIM 173200, MONDO:0008251.
Psoriasis 2. Identifiers: MedGen C1864497, MONDO:0011269, OMIM 602723.
Inborn genetic diseases. Identifiers: MedGen C0950123, MeSH D030342.

Allele frequency attached by ClinVar (database versions not stated): gnomAD 0.00004 and 0.00005; gnomAD exomes 0.00004 and 0.00006; ExAC 0.00005; TOPMed 0.00005.

Submissions (3):

Labcorp Genetics (formerly Invitae), Labcorp
Classification: Uncertain significance for Pityriasis rubra pilaris; Psoriasis 2. Last evaluated: 2025-11-23. Review status: criteria provided, single submitter. Criteria: Invitae Variant Classification Sherloc (09022015). Collection method: clinical testing. Allele origin: germline.
Comment: This sequence change replaces valine, which is neutral and non-polar, with methionine, which is neutral and non-polar, at codon 313 of the CARD14 protein (p.Val313Met). This variant is present in population databases (rs759854664, gnomAD 0.03%). This variant has not been reported in the literature in individuals affected with CARD14-related conditions. ClinVar contains an entry for this variant (Variation ID: 567741). Invitae Evidence Modeling of protein sequence and biophysical properties (such as structural, functional, and spatial information, amino acid conservation, physicochemical variation, residue mobility, and thermodynamic stability) indicates that this missense variant is not expected to disrupt CARD14 protein function with a negative predictive value of 95%. In summary, the available evidence is currently insufficient to determine the role of this variant in disease. Therefore, it has been classified as a Variant of Uncertain Significance.

Ambry Genetics
Classification: Uncertain significance for Inborn genetic diseases. Last evaluated: 2024-06-26. Review status: criteria provided, single submitter. Criteria: Ambry Variant Classification Scheme 2023. Collection method: clinical testing. Allele origin: germline.

Breakthrough Genomics
Classification: Uncertain significance. Review status: criteria provided, single submitter. Criteria: ACMG Guidelines, 2015. Collection method: not provided. Allele origin: germline. Inheritance: Autosomal dominant inheritance. Affected: yes.

NM_001366385.1(CARD14):c.937G>A (p.Val313Met)

Gene: CARD14 (caspase recruitment domain family member 14; plus strand). Cytogenetic location: 17q25.3.
Variant type: single nucleotide variant.
Coding change: c.937G>A on transcript NM_001366385.1 (MANE Select); coding-DNA position 937, G replaced by A.
Protein change: p.Val313Met; replaces valine 313 with methionine.
Molecular consequence: missense variant. On other transcripts: non-coding transcript variant (1).
Genome position (GRCh38, 1-based): chr17:80,189,846, G>A. VCF-style: chr17-80189846-G-A. GRCh37 (hg19) VCF-style: chr17-78163645-G-A.
Other names: c.937G>A (NM_024110.3); c.937G>A, p.Val313Met (NM_024110.4, NM_001257970.1); c.226G>A, p.Val76Met (NM_052819.3); short protein forms V313M, V76M.
Identifiers: ClinVar variation 567741 (VCV000567741.11), dbSNP rs759854664, ClinGen allele CA8816584.